The following is an entry in ClinVar:

ClinVar aggregate classification (germline): Uncertain significance (1 of 4 stars; one submission).

Allele frequency attached by ClinVar (database versions not stated): ExAC 0.00001; gnomAD exomes 0.00001; TOPMed 0.00002.

Submission:

Labcorp Genetics (formerly Invitae), Labcorp
Classification: Uncertain significance. Last evaluated: 2023-10-05. Review status: criteria provided, single submitter. Criteria: Invitae Variant Classification Sherloc (09022015). Collection method: clinical testing. Allele origin: germline.
Comment: This sequence change replaces arginine, which is basic and polar, with glutamine, which is neutral and polar, at codon 332 of the IL12RB2 protein (p.Arg332Gln). This variant is present in population databases (rs763794469, gnomAD 0.0009%). This variant has not been reported in the literature in individuals affected with IL12RB2-related conditions. Algorithms developed to predict the effect of missense changes on protein structure and function output the following: SIFT: "Not Available"; PolyPhen-2: "Benign"; Align-GVGD: "Not Available". The glutamine amino acid residue is found in multiple mammalian species, which suggests that this missense change does not adversely affect protein function. In summary, the available evidence is currently insufficient to determine the role of this variant in disease. Therefore, it has been classified as a Variant of Uncertain Significance.

NM_001374259.2(IL12RB2):c.995G>A (p.Arg332Gln)

Gene: IL12RB2 (interleukin 12 receptor subunit beta 2; plus strand). Cytogenetic location: 1p31.3.
Variant type: single nucleotide variant.
Coding change: c.995G>A on transcript NM_001374259.2 (MANE Select); coding-DNA position 995, G replaced by A.
Protein change: p.Arg332Gln; replaces arginine 332 with glutamine.
Molecular consequence: missense variant. On other transcripts: non-coding transcript variant (2).
Genome position (GRCh38, 1-based): chr1:67,338,660, G>A. VCF-style: chr1-67338660-G-A. GRCh37 (hg19) VCF-style: chr1-67804343-G-A.
Other names: c.995G>A, p.Arg332Gln (NM_001258214.1, NM_001258215.1, NM_001258216.1 and 2 more transcripts); short protein forms R332Q.
Identifiers: ClinVar variation 2871028 (VCV002871028.3), dbSNP rs763794469, ClinGen allele CA900360.